The following is an entry in ClinVar:

NM_001042492.3(NF1):c.1930_1935del (p.Ser644_Met645del)

Gene: NF1 (neurofibromin 1; plus strand). Cytogenetic location: 17q11.2.
Variant type: Deletion.
Coding change: c.1930_1935del on transcript NM_001042492.3 (MANE Select); coding-DNA positions 1930 to 1935, 6 bases deleted (TCCATG; older notation c.1930_1935delTCCATG).
Protein change: p.Ser644_Met645del.
Molecular consequence: inframe deletion. On other transcripts: inframe indel (1).
Genome position (GRCh38, 1-based): chr17:31,225,179-31,225,184, TCCATG deleted; deleting any 6 consecutive bases within chr17:31,225,176-31,225,184 gives the same sequence; the c. name uses the placement nearest the transcript's 3' end. VCF-style (leftmost placement, unchanged base first): chr17-31225175-AATGTCC-A. GRCh37 (hg19) VCF-style: chr17-29552193-AATGTCC-A.
Other names: c.1930_1935delTCCATG, p.Ser644_Met645del (NM_000267.4).
Identifiers: ClinVar variation 1007592 (VCV001007592.6), dbSNP rs1373021403, ClinGen allele CA728044453.

ClinVar aggregate classification (germline): Uncertain significance. Review status: criteria provided, multiple submitters, no conflicts (2 of 4 stars). 2 submissions from 2 submitters: Uncertain significance (2). Last evaluated 2025-06-05.

Conditions:
Neurofibromatosis, type 1 (NF1). Also called: NEUROFIBROMATOSIS, TYPE I, SOMATIC; Peripheral type neurofibromatosis; VON RECKLINGHAUSEN DISEASE; Neurofibromatosis, type I. Identifiers: Orphanet 636, MedGen C0027831, MONDO:0018975, OMIM 162200. Disease mechanism: loss of function.

Submissions (2):

Quest Diagnostics Nichols Institute San Juan Capistrano
Classification: Uncertain significance. Last evaluated: 2025-06-05. Review status: criteria provided, single submitter. Criteria: Quest Diagnostics criteria. Collection method: clinical testing. Allele origin: unknown.

Labcorp Genetics (formerly Invitae), Labcorp
Classification: Uncertain significance for Neurofibromatosis, type 1. Last evaluated: 2025-03-17. Review status: criteria provided, single submitter. Criteria: Invitae Variant Classification Sherloc (09022015). Collection method: clinical testing. Allele origin: germline.
Comment: This variant, c.1930_1935del, results in the deletion of 2 amino acid(s) of the NF1 protein (p.Ser644_Met645del), but otherwise preserves the integrity of the reading frame. This variant is not present in population databases (gnomAD no frequency). This variant has not been reported in the literature in individuals affected with NF1-related conditions. ClinVar contains an entry for this variant (Variation ID: 1007592). Experimental studies and prediction algorithms are not available or were not evaluated, and the functional significance of this variant is currently unknown. In summary, the available evidence is currently insufficient to determine the role of this variant in disease. Therefore, it has been classified as a Variant of Uncertain Significance.